The following is an entry in ClinVar:

NM_002168.4(IDH2):c.1076A>G (p.Gln359Arg)

Gene: IDH2 (isocitrate dehydrogenase (NADP(+)) 2; minus strand). Cytogenetic location: 15q26.1.
Variant type: single nucleotide variant.
Coding change: c.1076A>G on transcript NM_002168.4 (MANE Select); coding-DNA position 1076, A replaced by G.
Protein change: p.Gln359Arg; replaces glutamine 359 with arginine.
Molecular consequence: missense variant.
Genome position (GRCh38, 1-based): chr15:90,085,279, T>C on the plus strand (A>G on the coding strand, the complement: IDH2 is on the minus strand). VCF-style: chr15-90085279-T-C. GRCh37 (hg19) VCF-style: chr15-90628511-T-C.
Other names: c.920A>G, p.Gln307Arg (NM_001289910.1); c.686A>G, p.Gln229Arg (NM_001290114.2); short protein forms Q229R, Q307R, Q359R.
Identifiers: ClinVar variation 3899737 (VCV003899737.1).

ClinVar aggregate classification (germline): Uncertain significance (1 of 4 stars; one submission).

Submission:

GeneDx
Classification: Uncertain significance. Last evaluated: 2024-11-14. Review status: criteria provided, single submitter. Criteria: GeneDx Variant Classification Process June 2021. Collection method: clinical testing. Allele origin: germline. Affected: yes.
Comment: Not observed at significant frequency in large population cohorts (gnomAD); In silico analysis supports that this missense variant has a deleterious effect on protein structure/function; Has not been previously published as pathogenic or benign to our knowledge